The following is an entry in ClinVar:

NM_019844.4(SLCO1B3):c.334T>G (p.Ser112Ala)

Genes: SLCO1B3 (solute carrier organic anion transporter family member 1B3; plus strand), SLCO1B3-SLCO1B7 (SLCO1B3-SLCO1B7 readthrough; plus strand). Cytogenetic location: 12p12.2.
Variant type: single nucleotide variant.
Coding change: c.334T>G on transcript NM_019844.4 (MANE Select); coding-DNA position 334, T replaced by G.
Protein change: p.Ser112Ala; replaces serine 112 with alanine.
Molecular consequence: missense variant.
Genome position (GRCh38, 1-based): chr12:20,858,546, T>G. VCF-style: chr12-20858546-T-G. GRCh37 (hg19) VCF-style: chr12-21011480-T-G.
Other names: c.250T>G, p.Ser84Ala (NM_001349920.2); short protein forms S112A, S84A.
Identifiers: ClinVar variation 261184 (VCV000261184.26), dbSNP rs4149117, ClinGen allele CA6475135.
Genomic context (GRCh38, chr12:20,858,546, plus strand): 5'-CACAGACCGAAGTTAATTGGAATTGGTTGTCTCCTTATGGGAACTGGAAGTATTTTGACA[T>G]CTTTACCACATTTCTTCATGGGATAGTAAGTGTTAAACAGCTCTGAGCCATTTATTATCA-3'
Protein context (NP_062818.1, residues 102-122): LLMGTGSILT[Ser112Ala]LPHFFMGYYR

ClinVar aggregate classification (germline): Benign. Review status: criteria provided, multiple submitters, no conflicts (2 of 4 stars). 6 submissions from 6 submitters: Benign (5). 1 of the submissions does not count toward it. Last evaluated 2025-07-31.

Conditions:
SLCO1B3-related disorder. Also called: SLCO1B3-related condition.
Rotor syndrome (HBLRR). Also called: HYPERBILIRUBINEMIA, ROTOR TYPE, DIGENIC; HYPERBILIRUBINEMIA, ROTOR TYPE. Identifiers: Orphanet 3111, MedGen C0220991, MONDO:0009379, OMIM 237450.

Allele frequency attached by ClinVar (database versions not stated): 1000 Genomes Project 30x 0.69613; 1000 Genomes Project 0.70248; gnomAD 0.70446; TOPMed 0.71717; ESP Exome Variant Server 0.72293; ExAC 0.80445; gnomAD exomes 0.80821 and 0.84047.
gnomAD v4.1: 1,329,309 of 1,603,716 alleles (83%); highest among the groups gnomAD compares: South Asian, 91%; 558,931 homozygotes.

Submissions (6):

ARUP Laboratories, Molecular Genetics and Genomics, ARUP Laboratories
Classification: Benign for Rotor syndrome. Last evaluated: 2025-07-31. Review status: criteria provided, single submitter. Criteria: ARUP Molecular Germline Variant Investigation Process 2024. Collection method: clinical testing. Allele origin: germline.

Genome-Nilou Lab
Classification: Benign for Rotor syndrome. Last evaluated: 2021-07-15. Review status: criteria provided, single submitter. Criteria: ACMG Guidelines, 2015. Collection method: clinical testing. Allele origin: germline. Affected: no.

GeneDx
Classification: Benign. Last evaluated: 2018-11-12. Review status: criteria provided, single submitter. Criteria: GeneDx Variant Classification Process June 2021. Collection method: clinical testing. Allele origin: germline. Affected: yes.

Illumina Laboratory Services, Illumina
Classification: Benign for Rotor syndrome. Last evaluated: 2018-01-13. Review status: criteria provided, single submitter. Criteria: ICSL Variant Classification Criteria 13 December 2019. Collection method: clinical testing. Allele origin: germline.
Comment: This variant was observed in the ICSL laboratory as part of a predisposition screen in an ostensibly healthy population. It had not been previously curated by ICSL or reported in the Human Gene Mutation Database (HGMD: prior to June 1st, 2018), and was therefore a candidate for classification through an automated scoring system. Utilizing variant allele frequency, disease prevalence and penetrance estimates, and inheritance mode, an automated score was calculated to assess if this variant is too frequent to cause the disease. Based on the score and internal cut-off values, a variant classified as benign is not then subjected to further curation. The score for this variant resulted in a classification of benign for this disease.

Breakthrough Genomics
Classification: Benign. Review status: criteria provided, single submitter. Criteria: ACMG Guidelines, 2015. Collection method: not provided. Allele origin: germline. Inheritance: Autosomal recessive inheritance. Affected: yes.

PreventionGenetics, part of Exact Sciences
Classification: Benign for SLCO1B3-related condition. Last evaluated: 2021-12-29. Review status: no assertion criteria provided. Collection method: clinical testing. Allele origin: germline. Not counted in ClinVar's aggregate classification.
Comment: This variant is classified as benign based on ACMG/AMP sequence variant interpretation guidelines (Richards et al. 2015 PMID: 25741868, with internal and published modifications).